The following is an entry in ClinVar:

ClinVar aggregate classification (germline): Likely pathogenic (1 of 4 stars; one submission).

Submission:

GeneDx
Classification: Likely pathogenic. Last evaluated: 2016-04-20. Review status: criteria provided, single submitter. Criteria: GeneDx Variant Classification (06012015). Collection method: clinical testing. Allele origin: germline. Affected: yes.
Comment: The A702P variantl has not been published as pathogenic, nor has it been reported as a benign variant to our knowledge.The A702P variant was not observed in approximately 6200 individuals of European and African American ancestry in the NHLBI Exome Sequencing Project, indicating it is not a common benign variant in these populations. It is a semi-conservative amino acid substitution that occurs at a conserved position within the transmembrane segment S6 of the second homologous domain. In silico analysis predicts this variant is probably damaging to the protein structure/function. Therefore, the A702P variant is likely pathogenic.

NM_001205293.3(CACNA1E):c.2104G>C (p.Ala702Pro)

Gene: CACNA1E (calcium voltage-gated channel subunit alpha1 E; plus strand). Cytogenetic location: 1q25.3.
Variant type: single nucleotide variant.
Coding change: c.2104G>C on transcript NM_001205293.3 (MANE Select); coding-DNA position 2104, G replaced by C.
Protein change: p.Ala702Pro; replaces alanine 702 with proline.
Molecular consequence: missense variant.
Genome position (GRCh38, 1-based): chr1:181,724,499, G>C. VCF-style: chr1-181724499-G-C. GRCh37 (hg19) VCF-style: chr1-181693635-G-C.
Other names: c.2104G>C, p.Ala702Pro (NM_000721.4, NM_001205294.2); short protein forms A702P.
Identifiers: ClinVar variation 427007 (VCV000427007.1), dbSNP rs12131800, ClinGen allele CA343628403.